The following is an entry in ClinVar:

NM_030928.4(CDT1):c.409G>C (p.Val137Leu)

Gene: CDT1 (chromatin licensing and DNA replication factor 1; plus strand). Cytogenetic location: 16q24.3.
Variant type: single nucleotide variant.
Coding change: c.409G>C on transcript NM_030928.4 (MANE Select); coding-DNA position 409, G replaced by C.
Protein change: p.Val137Leu; replaces valine 137 with leucine.
Molecular consequence: missense variant.
Genome position (GRCh38, 1-based): chr16:88,804,819, G>C. VCF-style: chr16-88804819-G-C. GRCh37 (hg19) VCF-style: chr16-88871227-G-C.
Other names: short protein forms V137L.
Identifiers: ClinVar variation 1421855 (VCV001421855.7), dbSNP rs534520741, ClinGen allele CA8233630.

ClinVar aggregate classification (germline): Uncertain significance. Review status: criteria provided, multiple submitters, no conflicts (2 of 4 stars). 2 submissions from 2 submitters: Uncertain significance (2). Last evaluated 2025-01-06.

Allele frequency attached by ClinVar (database versions not stated): gnomAD exomes 0.00001; ExAC 0.00002; gnomAD 0.00005 and 0.00006; 1000 Genomes Project 30x 0.00016; 1000 Genomes Project 0.00020.
gnomAD v4.1: 18 of 1,612,594 alleles (0.0011%); highest among the groups gnomAD compares: Admixed American, 0.022%; no homozygotes.

Submissions (2):

Labcorp Genetics (formerly Invitae), Labcorp
Classification: Uncertain significance. Last evaluated: 2025-01-06. Review status: criteria provided, single submitter. Criteria: Invitae Variant Classification Sherloc (09022015). Collection method: clinical testing. Allele origin: germline.
Comment: This sequence change replaces valine, which is neutral and non-polar, with leucine, which is neutral and non-polar, at codon 137 of the CDT1 protein (p.Val137Leu). This variant is present in population databases (rs534520741, gnomAD 0.003%). This variant has not been reported in the literature in individuals affected with CDT1-related conditions. ClinVar contains an entry for this variant (Variation ID: 1421855). An algorithm developed to predict the effect of missense changes on protein structure and function (PolyPhen-2) suggests that this variant¬†is likely to be tolerated. In summary, the available evidence is currently insufficient to determine the role of this variant in disease. Therefore, it has been classified as a Variant of Uncertain Significance.

Breakthrough Genomics
Classification: Uncertain significance. Review status: criteria provided, single submitter. Criteria: ACMG Guidelines, 2015. Collection method: not provided. Allele origin: germline. Inheritance: Autosomal recessive inheritance. Affected: yes.